The following is an entry in ClinVar:

ClinVar aggregate classification (germline): Uncertain significance (1 of 4 stars; one submission).

Allele frequency attached by ClinVar (database versions not stated): gnomAD exomes below 0.00001; TOPMed 0.00001.
gnomAD v4.1: 1 of 1,614,166 alleles (0.000062%); highest among the groups gnomAD compares: Non-Finnish European, 0.000085%; no homozygotes.

Submission:

Ambry Genetics
Classification: Uncertain significance. Last evaluated: 2023-10-19. Review status: criteria provided, single submitter. Criteria: Ambry Variant Classification Scheme 2023. Collection method: clinical testing. Allele origin: germline.
Comment: The p.R920* variant (also known as c.2758C>T), located in coding exon 24 of the KIF1B gene, results from a C to T substitution at nucleotide position 2758. This changes the amino acid from an arginine to a stop codon within coding exon 24. This alteration is expected to result in loss of function by premature protein truncation or nonsense-mediated mRNA decay. The evidence for this gene-disease relationship is limited; therefore, the clinical significance of this alteration is unclear.

NM_001365951.3(KIF1B):c.2896C>T (p.Arg966Ter)

Genes: KIF1B (kinesin family member 1B; plus strand), LOC126805614 (BRD4-independent group 4 enhancer GRCh37_chr1:10385546-10386745; plus strand). Cytogenetic location: 1p36.22.
Variant type: single nucleotide variant.
Coding change: c.2896C>T on transcript NM_001365951.3 (MANE Select); coding-DNA position 2896, C replaced by T.
Protein change: p.Arg966Ter; replaces arginine 966 with a stop codon.
Molecular consequence: nonsense.
Genome position (GRCh38, 1-based): chr1:10,326,331, C>T. VCF-style: chr1-10326331-C-T. GRCh37 (hg19) VCF-style: chr1-10386389-C-T.
Other names: c.2896C>T, p.Arg966Ter (NM_001365952.1); c.2758C>T, p.Arg920Ter (NM_015074.3); short protein forms R920*, R966*.
Identifiers: ClinVar variation 3226415 (VCV003226415.1), dbSNP rs908454234, ClinGen allele CA17836940.
Genomic context (GRCh38, chr1:10,326,331, plus strand): 5'-GACGCAGGGACGGAGGAGGGATCAGATCTCTTCAGTGACGGGCATGACCCGTTTTACGAC[C>T]GATCCCCTTGGTTCATTTTAGTGGGAAGGTTGGTGAGGTTATTGTGAGAAAGGCGAAAAG-3'